The following is an entry in ClinVar:

ClinVar aggregate classification (germline): Uncertain significance. Review status: criteria provided, single submitter (1 of 4 stars). 2 submissions from 2 submitters: Uncertain significance (1). 1 of the submissions does not count toward it. Last evaluated 2025-03-10.

Conditions:
ARSA-related disorder. Also called: ARSA-related condition.
Metachromatic leukodystrophy (MLD). Also called: Cerebral sclerosis diffuse metachromatic form; Arylsulfatase A Deficiency; METACHROMATIC LEUKOENCEPHALOPATHY; SULFATIDE LIPIDOSIS; ARSA DEFICIENCY; CEREBROSIDE SULFATASE DEFICIENCY. Identifiers: Orphanet 512, MedGen C0023522, MONDO:0018868, OMIM 250100.

Submissions (2):

PreventionGenetics, part of Exact Sciences
Classification: Uncertain significance for ARSA-related condition. Last evaluated: 2025-03-10. Review status: criteria provided, single submitter. Criteria: ACMG Guidelines, 2015. Collection method: clinical testing. Allele origin: germline.
Comment: The ARSA c.190T>A variant is predicted to result in the amino acid substitution p.Phe64Ile. This variant was reported in the homozygous state in at least one patient with metachromatic leukodystrophy (Mahdieh et al. 2021. PubMed ID: 33385934; Ashrafi et al. 2023. PubMed ID: 37597066). This variant has not been reported in a large population database (gnomAD), indicating this variant is rare. Although we suspect that this variant may be pathogenic, at this time, the clinical significance of this variant is uncertain due to the absence of conclusive functional and genetic evidence.

Myelin Disorders Clinic-Children's Medical Center/Medical Genetics Lab-Tarbiat Modares University, Children's Medical Center, Pediatrics Center of Excellence,
Classification: Uncertain significance for Metachromatic leukodystrophy. Review status: no assertion criteria provided. Collection method: clinical testing. Allele origin: inherited. Inheritance: Autosomal recessive inheritance. Affected: yes. Not counted in ClinVar's aggregate classification.

NM_000487.6(ARSA):c.190T>A (p.Phe64Ile)

Gene: ARSA (arylsulfatase A; minus strand). Cytogenetic location: 22q13.33.
Variant type: single nucleotide variant.
Coding change: c.190T>A on transcript NM_000487.6 (MANE Select); coding-DNA position 190, T replaced by A.
Protein change: p.Phe64Ile; replaces phenylalanine 64 with isoleucine.
Molecular consequence: missense variant. On other transcripts: intron variant (2).
Genome position (GRCh38, 1-based): chr22:50,627,590, A>T on the plus strand (T>A on the coding strand, the complement: ARSA is on the minus strand). VCF-style: chr22-50627590-A-T. GRCh37 (hg19) VCF-style: chr22-51066018-A-T.
Other names: c.190T>A (NM_000487.5); c.190T>A, p.Phe64Ile (NM_001085425.3, NM_001085426.3, NM_001085427.3); c.-34-184T>A (NM_001362782.2, NM_001085428.3); short protein forms F64I.
Identifiers: ClinVar variation 974614 (VCV000974614.3), dbSNP rs2082698085, ClinGen allele CA412182313.